The following is an entry in ClinVar:

NM_031229.4(RBCK1):c.836C>A (p.Pro279His)

Gene: RBCK1 (RANBP2-type and C3HC4-type zinc finger containing 1; plus strand). Cytogenetic location: 20p13.
Variant type: single nucleotide variant.
Coding change: c.836C>A on transcript NM_031229.4 (MANE Select); coding-DNA position 836, C replaced by A.
Protein change: p.Pro279His; replaces proline 279 with histidine.
Molecular consequence: missense variant. On other transcripts: non-coding transcript variant (1), intron variant (2).
Genome position (GRCh38, 1-based): chr20:420,950, C>A. VCF-style: chr20-420950-C-A. GRCh37 (hg19) VCF-style: chr20-401594-C-A.
Other names: c.710C>A, p.Pro237His (NM_006462.6); c.408-1177C>A (NM_001323956.2, NM_001323958.2); short protein forms P237H, P279H.
Identifiers: ClinVar variation 1495630 (VCV001495630.6), dbSNP rs778259648, ClinGen allele CA407928092.
Genomic context (GRCh38, chr20:420,950, plus strand): 5'-AGGGGAACTACCTGCAGCACGTCCAGCTGGACCAGAGGAGCCTGGTGCTGAACACGGAGC[C>A]CGCCGAGTGCCCCGTGTGCTACTCGGTGCTGGCGCCCGGCGAGGCCGTGGTGCTGCGTGA-3'
Protein context (NP_112506.2, residues 269-289): DQRSLVLNTE[Pro279His]AECPVCYSVL

ClinVar aggregate classification (germline): Uncertain significance (1 of 4 stars; one submission).

Conditions:
Polyglucosan body myopathy type 1 (PGBM1). Also called: Polyglucosan body myopathy 1 with or without immunodeficiency; POLYGLUCOSAN BODY MYOPATHY WITHOUT IMMUNODEFICIENCY. Identifiers: Orphanet 329173, Orphanet 397937, MedGen C4014605, MONDO:0014389, OMIM 615895.

Submission:

Labcorp Genetics (formerly Invitae), Labcorp
Classification: Uncertain significance for Polyglucosan body myopathy type 1. Last evaluated: 2021-09-15. Review status: criteria provided, single submitter. Criteria: Invitae Variant Classification Sherloc (09022015). Collection method: clinical testing. Allele origin: germline.
Comment: Algorithms developed to predict the effect of missense changes on protein structure and function are either unavailable or do not agree on the potential impact of this missense change (SIFT: "Not Available"; PolyPhen-2: "Possibly Damaging"; Align-GVGD: "Not Available"). In summary, the available evidence is currently insufficient to determine the role of this variant in disease. Therefore, it has been classified as a Variant of Uncertain Significance. This variant has not been reported in the literature in individuals affected with RBCK1-related conditions. This variant is not present in population databases (ExAC no frequency). This sequence change replaces proline with histidine at codon 279 of the RBCK1 protein (p.Pro279His). The proline residue is highly conserved and there is a moderate physicochemical difference between proline and histidine.